The following is an entry in ClinVar:

NM_006939.4(SOS2):c.94G>A (p.Glu32Lys)

Gene: SOS2 (SOS Ras/Rho guanine nucleotide exchange factor 2; minus strand). Cytogenetic location: 14q21.3.
Variant type: single nucleotide variant.
Coding change: c.94G>A on transcript NM_006939.4 (MANE Select); coding-DNA position 94, G replaced by A.
Protein change: p.Glu32Lys; replaces glutamic acid 32 with lysine.
Molecular consequence: missense variant.
Genome position (GRCh38, 1-based): chr14:50,204,403, C>T on the plus strand (G>A on the coding strand, the complement: SOS2 is on the minus strand). VCF-style: chr14-50204403-C-T. GRCh37 (hg19) VCF-style: chr14-50671121-C-T.
Other names: c.94G>A, p.Glu32Lys (NM_001411020.1); short protein forms E32K.
Identifiers: ClinVar variation 1767171 (VCV001767171.2), dbSNP rs1461064079, ClinGen allele CA389651564.
Genomic context (GRCh38, chr14:50,204,403, plus strand): 5'-TCAGCTCTTCAATATAATAGAGAGACTCTTCATTAGCTGAGAGAGTGGGATGCACTTGTT[C>T]CTGAACCTTTAAAAAAAAGTTATCAGTTAAAGTAATGGCAAAATAATATAAATTGAACAA-3'
Protein context (NP_008870.2, residues 22-42): LLVSALRKVQ[Glu32Lys]QVHPTLSANE

ClinVar aggregate classification (germline): Uncertain significance (1 of 4 stars; one submission).

Conditions:
Cardiovascular phenotype. Identifiers: MedGen CN230736.

Allele frequency attached by ClinVar (database versions not stated): gnomAD exomes below 0.00001.

Submission:

Ambry Genetics
Classification: Uncertain significance for Cardiovascular phenotype. Last evaluated: 2022-08-17. Review status: criteria provided, single submitter. Criteria: Ambry Variant Classification Scheme 2023. Collection method: clinical testing. Allele origin: germline.
Comment: The p.E32K variant (also known as c.94G>A), located in coding exon 2 of the SOS2 gene, results from a G to A substitution at nucleotide position 94. The glutamic acid at codon 32 is replaced by lysine, an amino acid with similar properties. This amino acid position is conserved. In addition, this alteration is predicted to be tolerated by in silico analysis. Since supporting evidence is limited at this time, the clinical significance of this alteration remains unclear.